The following is an entry in ClinVar:

NM_005762.3(TRIM28):c.21_35del (p.2AASAA[2])

Gene: TRIM28 (tripartite motif containing 28; plus strand). Cytogenetic location: 19q13.43.
Variant type: Deletion.
Coding change: c.21_35del on transcript NM_005762.3 (MANE Select); coding-DNA positions 21 to 35, 15 bases deleted (AGCCTCGGCAGCAGC).
Protein change: p.2AASAA[2].
Genome position (GRCh38, 1-based): chr19:58,544,778-58,544,792, AGCCTCGGCAGCAGC deleted; deleting any 15 consecutive bases within chr19:58,544,776-58,544,792 gives the same sequence; the c. name uses the placement nearest the transcript's 3' end. VCF-style (leftmost placement, unchanged base first): chr19-58544775-GGCAGCCTCGGCAGCA-G. GRCh37 (hg19) VCF-style: chr19-59056142-GGCAGCCTCGGCAGCA-G.
Identifiers: ClinVar variation 3652466 (VCV003652466.2).

ClinVar aggregate classification (germline): Uncertain significance (1 of 4 stars; one submission).

Submission:

Labcorp Genetics (formerly Invitae), Labcorp
Classification: Uncertain significance. Last evaluated: 2024-05-07. Review status: criteria provided, single submitter. Criteria: Invitae Variant Classification Sherloc (09022015). Collection method: clinical testing. Allele origin: germline.
Comment: This variant, c.21_35del, results in the deletion of 5 amino acid(s) of the TRIM28 protein (p.Ala12_Ala16del), but otherwise preserves the integrity of the reading frame. This variant is present in population databases (no rsID available, gnomAD 0.007%). This variant has not been reported in the literature in individuals affected with TRIM28-related conditions. Experimental studies and prediction algorithms are not available or were not evaluated, and the functional significance of this variant is currently unknown. In summary, the available evidence is currently insufficient to determine the role of this variant in disease. Therefore, it has been classified as a Variant of Uncertain Significance.